The following is an entry in ClinVar:

NM_004758.4(TSPOAP1):c.3901G>A (p.Asp1301Asn)

Gene: TSPOAP1 (TSPO associated protein 1; minus strand). Cytogenetic location: 17q22.
Variant type: single nucleotide variant.
Coding change: c.3901G>A on transcript NM_004758.4 (MANE Select); coding-DNA position 3901, G replaced by A.
Protein change: p.Asp1301Asn; replaces aspartic acid 1301 with asparagine.
Molecular consequence: missense variant.
Genome position (GRCh38, 1-based): chr17:58,309,371, C>T on the plus strand (G>A on the coding strand, the complement: TSPOAP1 is on the minus strand). VCF-style: chr17-58309371-C-T. GRCh37 (hg19) VCF-style: chr17-56386732-C-T.
Other names: c.3901G>A, p.Asp1301Asn (NM_001261835.2); c.3721G>A, p.Asp1241Asn (NM_024418.3); short protein forms D1301N, D1241N.
Identifiers: ClinVar variation 402437 (VCV000402437.5), dbSNP rs61741210, ClinGen allele CA8671697.
Genomic context (GRCh38, chr17:58,309,371, plus strand): 5'-GGGGCAGCTCCAGGATCTGCTCCAAGATCTCCTCATCGCTGTCAGTCTCACAAAAGGGGT[C>T]GGGCTGGGACTGGTGGAGGTGGGGAGGTGGGAGTAGAACACAGCAGGGAAGAGAGATGCG-3'
Protein context (NP_004749.2, residues 1291-1311): IRENGAKSQP[Asp1301Asn]PFCETDSDEE

ClinVar aggregate classification (germline): Benign. Review status: criteria provided, multiple submitters, no conflicts (2 of 4 stars). 2 submissions from 2 submitters: Benign (2). Last evaluated 2016-03-29.

Allele frequency attached by ClinVar (database versions not stated): 1000 Genomes Project 30x 0.01452; 1000 Genomes Project 0.01558; TOPMed 0.01702; gnomAD 0.01796 and 0.01815; ESP Exome Variant Server 0.01907; gnomAD exomes 0.02260 and 0.02356; ExAC 0.02322.
gnomAD v4.1: 37,120 of 1,608,002 alleles (2.3%); highest among the groups gnomAD compares: Middle Eastern, 3.6%; 541 homozygotes.

Submissions (2):

Laboratory for Molecular Medicine, Mass General Brigham Personalized Medicine
Classification: Benign. Last evaluated: 2016-03-29. Review status: criteria provided, single submitter. Criteria: LMM Criteria. Collection method: clinical testing. Allele origin: germline.
Comment: Variant identified in a genome or exome case(s) and assessed due to predicted null impact of the variant or pathogenic assertions in the literature or databases. Disclaimer: This variant has not undergone full assessment. The following are preliminary notes: Frequency

Breakthrough Genomics
Classification: Benign. Review status: criteria provided, single submitter. Criteria: ACMG Guidelines, 2015. Collection method: not provided. Allele origin: germline. Inheritance: Unknown mechanism. Affected: yes.